The following is an entry in ClinVar:

NM_012431.3(SEMA3E):c.1807A>G (p.Thr603Ala)

Gene: SEMA3E (semaphorin 3E; minus strand). Cytogenetic location: 7q21.11.
Variant type: single nucleotide variant.
Coding change: c.1807A>G on transcript NM_012431.3 (MANE Select); coding-DNA position 1807, A replaced by G.
Protein change: p.Thr603Ala; replaces threonine 603 with alanine.
Molecular consequence: missense variant.
Genome position (GRCh38, 1-based): chr7:83,385,362, T>C on the plus strand (A>G on the coding strand, the complement: SEMA3E is on the minus strand). VCF-style: chr7-83385362-T-C. GRCh37 (hg19) VCF-style: chr7-83014678-T-C.
Other names: c.1627A>G, p.Thr543Ala (NM_001178129.2); short protein forms T543A, T603A.
Identifiers: ClinVar variation 4740970 (VCV004740970.1).

ClinVar aggregate classification (germline): Uncertain significance (1 of 4 stars; one submission).

Conditions:
CHARGE syndrome (CHARGE). Also called: Hittner Hirsch Kreh syndrome; CHARGE ASSOCIATION--COLOBOMA, HEART ANOMALY, CHOANAL ATRESIA, RETARDATION, GENITAL AND EAR ANOMALIES; Coloboma, heart anomaly, choanal atresia, retardation, genital and ear anomalies; CHARGE association; Hall-Hittner syndrome. Identifiers: Orphanet 138, MedGen C0265354, MONDO:0008965.

Submission:

Labcorp Genetics (formerly Invitae), Labcorp
Classification: Uncertain significance for CHARGE syndrome. Last evaluated: 2025-07-08. Review status: criteria provided, single submitter. Criteria: Invitae Variant Classification Sherloc (09022015). Collection method: clinical testing. Allele origin: germline.
Comment: This sequence change replaces threonine, which is neutral and polar, with alanine, which is neutral and non-polar, at codon 603 of the SEMA3E protein (p.Thr603Ala). This variant is not present in population databases (gnomAD no frequency). This variant has not been reported in the literature in individuals affected with SEMA3E-related conditions. Invitae Evidence Modeling of protein sequence and biophysical properties (such as structural, functional, and spatial information, amino acid conservation, physicochemical variation, residue mobility, and thermodynamic stability) indicates that this missense variant is not expected to disrupt SEMA3E protein function with a negative predictive value of 80%. In summary, the available evidence is currently insufficient to determine the role of this variant in disease. Therefore, it has been classified as a Variant of Uncertain Significance.